The following is an entry in ClinVar:

NM_001301202.2(RASAL1):c.1356C>T (p.Phe452=)

Gene: RASAL1 (RAS protein activator like 1; minus strand). Cytogenetic location: 12q24.13.
Variant type: single nucleotide variant.
Coding change: c.1356C>T on transcript NM_001301202.2 (MANE Select); coding-DNA position 1356, C replaced by T.
Protein change: p.Phe452=; no amino-acid change (phenylalanine 452 retained).
Molecular consequence: synonymous variant.
Genome position (GRCh38, 1-based): chr12:113,112,104, G>A on the plus strand (C>T on the coding strand, the complement: RASAL1 is on the minus strand). VCF-style: chr12-113112104-G-A. GRCh37 (hg19) VCF-style: chr12-113549909-G-A.
Other names: c.1356C>T, p.Phe452= (NM_001193520.2, NM_001193521.3, NM_001394081.1 and 6 more transcripts); c.1164C>T, p.Phe388= (NM_001394087.1); c.993C>T, p.Phe331= (NM_001394088.1); c.690C>T, p.Phe230= (NM_001394089.1).
Identifiers: ClinVar variation 806948 (VCV000806948.37), dbSNP rs377165995, ClinGen allele CA6802573.

ClinVar aggregate classification (germline): Benign (1 of 4 stars; one submission).

Allele frequency attached by ClinVar (database versions not stated): ExAC 0.00348; 1000 Genomes Project 30x 0.00078; 1000 Genomes Project 0.00080; ESP Exome Variant Server 0.00090; gnomAD 0.00265; gnomAD exomes 0.00267; TOPMed 0.00288.
gnomAD v4.1: 5,528 of 1,243,846 alleles (0.44%); highest among the groups gnomAD compares: Non-Finnish European, 0.51%; 28 homozygotes.

Submission:

CeGaT Center for Human Genetics Tuebingen
Classification: Benign. Last evaluated: 2022-09-01. Review status: criteria provided, single submitter. Criteria: CeGaT Center For Human Genetics Tuebingen Variant Classification Criteria Version 2. Collection method: clinical testing. Allele origin: germline. Affected: yes. Observed: 5 variant alleles.
Comment: RASAL1: BS1, BS2